The following is an entry in ClinVar:

ClinVar aggregate classification (germline): Benign. Review status: criteria provided, multiple submitters, no conflicts (2 of 4 stars). 3 submissions from 3 submitters: Benign (2). 1 of the submissions does not count toward it. Last evaluated 2025-12-20.

Conditions:
GREB1L-related disorder. Also called: GREB1L-related condition.

Allele frequency attached by ClinVar (database versions not stated): gnomAD exomes 0.00019 and 0.00049; ExAC 0.00082; ESP Exome Variant Server 0.00110; 1000 Genomes Project 30x 0.00156; 1000 Genomes Project 0.00160; gnomAD 0.00202 and 0.00215; TOPMed 0.00224.
gnomAD v4.1: 571 of 1,543,726 alleles (0.037%); highest among the groups gnomAD compares: African/African-American, 0.67%; 1 homozygote.

Submissions (3):

Labcorp Genetics (formerly Invitae), Labcorp
Classification: Benign. Last evaluated: 2025-12-20. Review status: criteria provided, single submitter. Criteria: Invitae Variant Classification Sherloc (09022015). Collection method: clinical testing. Allele origin: germline.

Breakthrough Genomics
Classification: Benign. Review status: criteria provided, single submitter. Criteria: ACMG Guidelines, 2015. Collection method: not provided. Allele origin: germline. Inheritance: Autosomal dominant inheritance. Affected: yes.

PreventionGenetics, part of Exact Sciences
Classification: Benign for GREB1L-related condition. Last evaluated: 2019-11-26. Review status: no assertion criteria provided. Collection method: clinical testing. Allele origin: germline. Not counted in ClinVar's aggregate classification.
Comment: This variant is classified as benign based on ACMG/AMP sequence variant interpretation guidelines (Richards et al. 2015 PMID: 25741868, with internal and published modifications).

NM_001142966.3(GREB1L):c.3875G>A (p.Arg1292Gln)

Gene: GREB1L (GREB1 like retinoic acid receptor coactivator; plus strand). Cytogenetic location: 18q11.2.
Variant type: single nucleotide variant.
Coding change: c.3875G>A on transcript NM_001142966.3 (MANE Select); coding-DNA position 3875, G replaced by A.
Protein change: p.Arg1292Gln; replaces arginine 1292 with glutamine.
Molecular consequence: missense variant.
Genome position (GRCh38, 1-based): chr18:21,500,212, G>A. VCF-style: chr18-21500212-G-A. GRCh37 (hg19) VCF-style: chr18-19080173-G-A.
Other names: c.3875G>A (NM_001142966.1); short protein forms R1292Q.
Identifiers: ClinVar variation 1578058 (VCV001578058.11), dbSNP rs369883129, ClinGen allele CA8906614.